The following is an entry in ClinVar:

NM_000552.5(VWF):c.1657dup (p.Trp553fs)

Gene: VWF (von Willebrand factor; minus strand). Cytogenetic location: 12p13.31.
Variant type: Duplication.
Coding change: c.1657dup on transcript NM_000552.5 (MANE Select); coding-DNA position 1657, one base duplicated (T; older notation c.1657dupT).
Protein change: p.Trp553fs; shifts the reading frame from tryptophan 553.
Molecular consequence: frameshift variant.
Genome position (GRCh38, 1-based): chr12:6,057,921, A duplicated on the plus strand (T on the coding strand, the reverse complement: VWF is on the minus strand). VCF-style (leftmost placement, unchanged base first): chr12-6057920-C-CA. GRCh37 (hg19) VCF-style: chr12-6167086-C-CA.
Other names: c.1657dup (NM_000552.4); short protein forms W553fs.
Identifiers: ClinVar variation 100185 (VCV000100185.3), dbSNP rs267607307, ClinGen allele CA228279.

ClinVar aggregate classification (germline): Pathogenic/Likely pathogenic. Review status: criteria provided, multiple submitters, no conflicts (2 of 4 stars). 3 submissions from 3 submitters: Pathogenic (1); Likely pathogenic (1). 1 of the submissions does not count toward it. Last evaluated 2024-10-31.

Allele frequency attached by ClinVar (database versions not stated): gnomAD 0.00001; TOPMed 0.00001; gnomAD exomes 0.00003.

Submissions (3):

ARUP Laboratories, Molecular Genetics and Genomics, ARUP Laboratories
Classification: Likely pathogenic. Last evaluated: 2024-10-31. Review status: criteria provided, single submitter. Criteria: ARUP Molecular Germline Variant Investigation Process 2024. Collection method: clinical testing. Allele origin: germline.
Comment: The VWF c.1657dup; p.Trp553LeufsTer97 variant (rs267607307, ClinVar Variation ID: 100185), also known as nt1658insT and 1656_1657insT, is reported in the literature in an individual affected with von Willebrand disease (VWD) type 1 (Robertson 2011) and in compound heterozygous individuals with suspected VWD type 3 that had VWF:Ag levels less than 5 IU/dL (Boylan 2015, Sadler 2021). This variant is only observed on one allele in the Genome Aggregation Database (v2.1.1), indicating it is not a common polymorphism. This variant causes a frameshift by inserting a single nucleotide, so it is predicted to result in a truncated protein or mRNA subject to nonsense-mediated decay. Based on available information, this variant is considered to be likely pathogenic. References: Boylan B et al. Evaluation of von Willebrand factor phenotypes and genotypes in Hemophilia A patients with and without identified F8 mutations. J Thromb Haemost. 2015 Jun;13(6):1036-42. PMID: 25780857. Robertson JD et al. Expanded phenotype-genotype correlations in a pediatric population with type 1 von Willebrand disease. J Thromb Haemost. 2011 Sep;9(9):1752-60. PMID: 21711445. Sadler B et al. von Willebrand factor antigen levels are associated with burden of rare nonsynonymous variants in the VWF gene. Blood. 2021 Jun 10;137(23):3277-3283. PMID: 33556167.

Quest Diagnostics Nichols Institute San Juan Capistrano
Classification: Pathogenic. Last evaluated: 2023-12-11. Review status: criteria provided, single submitter. Criteria: Quest Diagnostics criteria. Collection method: clinical testing. Allele origin: unknown.
Comment: The VWF c.1657dup (p.Trp553Leufs*97) variant (also known as 1907insT, 1656_1657insT) alters the translational reading frame of the VWF mRNA and causes the premature termination of VWF protein synthesis. In the published literature, this variant has been reported in an individual with Type 1 von Willebrand disease (vWD) (PMID: 33556167 (2021)), and in several compound heterozygous individuals with Type 3 vWD (PMIDs: 28362648 (2017), 25780857 (2015), 8088787 (1994)). The frequency of this variant in the general population, 0.000032 (1/31336 chromosomes (Genome Aggregation Database)), is consistent with pathogenicity. Based on the available information, this variant is classified as pathogenic.

Academic Unit of Haematology, University of Sheffield
No classification provided. Review status: no classification provided. Collection method: not provided. Allele origin: not provided. Not counted in ClinVar's aggregate classification.

Literature cited by the submitters: PubMed 33556167 (cited by Quest Diagnostics Nichols Institute San Juan Capistrano); PubMed 28362648 (cited by Quest Diagnostics Nichols Institute San Juan Capistrano); PubMed 25780857 (cited by Quest Diagnostics Nichols Institute San Juan Capistrano); PubMed 8088787 (cited by Quest Diagnostics Nichols Institute San Juan Capistrano).